The following is an entry in ClinVar:

NM_152617.4(RNF168):c.1278C>T (p.Thr426=)

Gene: RNF168 (ring finger protein 168; minus strand). Cytogenetic location: 3q29.
Variant type: single nucleotide variant.
Coding change: c.1278C>T on transcript NM_152617.4 (MANE Select); coding-DNA position 1278, C replaced by T.
Protein change: p.Thr426=; no amino-acid change (threonine 426 retained).
Molecular consequence: synonymous variant.
Genome position (GRCh38, 1-based): chr3:196,472,257, G>A on the plus strand (C>T on the coding strand, the complement: RNF168 is on the minus strand). VCF-style: chr3-196472257-G-A. GRCh37 (hg19) VCF-style: chr3-196199128-G-A.
Identifiers: ClinVar variation 723827 (VCV000723827.15), dbSNP rs115264746, ClinGen allele CA2780687.
Genomic context (GRCh38, chr3:196,472,257, plus strand): 5'-GTCCTGTTCTTCTTGTTTATGTCTCTCAAACAGTAGATGCTCCAAATCTATCAGTTTTTG[G>A]GTAAAGTTTATTTCTGTTTCCTCTTGATCTGGGGAAGATTCGGGGGACACTTTTCTTCTT-3'
Protein context (NP_689830.2, residues 416-436): PDQEETEINF[Thr426=]QKLIDLEHLL

ClinVar aggregate classification (germline): Benign/Likely benign. Review status: criteria provided, multiple submitters, no conflicts (2 of 4 stars). 5 submissions from 5 submitters: Benign (1); Likely benign (1). 3 of the submissions do not count toward it. Last evaluated 2026-01-14.

Conditions:
RNF168-related disorder. Also called: RNF168-related condition.

Allele frequency attached by ClinVar (database versions not stated): gnomAD exomes 0.00031 and 0.00061; ExAC 0.00063; ESP Exome Variant Server 0.00138; gnomAD 0.00173 and 0.00189; TOPMed 0.00199; 1000 Genomes Project 0.00200; 1000 Genomes Project 30x 0.00203.
gnomAD v4.1: 755 of 1,613,950 alleles (0.047%); highest among the groups gnomAD compares: African/African-American, 0.55%; 3 homozygotes.

Submissions (5):

Labcorp Genetics (formerly Invitae), Labcorp
Classification: Benign. Last evaluated: 2026-01-14. Review status: criteria provided, single submitter. Criteria: Invitae Variant Classification Sherloc (09022015). Collection method: clinical testing. Allele origin: germline.

Blueprint Genetics
Classification: Likely benign. Last evaluated: 2024-10-14. Review status: criteria provided, single submitter. Criteria: ACMG Guidelines, 2015. Collection method: clinical testing. Allele origin: germline.

PreventionGenetics, part of Exact Sciences
Classification: Likely benign for RNF168-related condition. Last evaluated: 2019-07-01. Review status: no assertion criteria provided. Collection method: clinical testing. Allele origin: germline. Not counted in ClinVar's aggregate classification.
Comment: This variant is classified as likely benign based on ACMG/AMP sequence variant interpretation guidelines (Richards et al. 2015 PMID: 25741868, with internal and published modifications).

Clinical Genetics DNA and cytogenetics Diagnostics Lab, Erasmus MC, Erasmus Medical Center
Classification: Likely benign. Review status: no assertion criteria provided. Collection method: clinical testing. Allele origin: germline. Affected: yes. Study: VKGL Data-share Consensus. Not counted in ClinVar's aggregate classification.

Genome Diagnostics Laboratory, University Medical Center Utrecht
Classification: Likely benign. Review status: no assertion criteria provided. Collection method: clinical testing. Allele origin: germline. Affected: yes. Study: VKGL Data-share Consensus. Not counted in ClinVar's aggregate classification.